The following is an entry in ClinVar:

NM_001035.3(RYR2):c.5654G>A (p.Gly1885Glu)

Gene: RYR2 (ryanodine receptor 2; plus strand). Cytogenetic location: 1q43.
Variant type: single nucleotide variant.
Coding change: c.5654G>A on transcript NM_001035.3 (MANE Select); coding-DNA position 5654, G replaced by A.
Protein change: p.Gly1885Glu; replaces glycine 1885 with glutamic acid.
Molecular consequence: missense variant.
Genome position (GRCh38, 1-based): chr1:237,614,782, G>A. VCF-style: chr1-237614782-G-A. GRCh37 (hg19) VCF-style: chr1-237778082-G-A.
Other names: short protein forms G1885E.
Identifiers: ClinVar variation 36746 (VCV000036746.79), dbSNP rs41315858, ClinGen allele CA009938.

ClinVar aggregate classification (germline): Benign/Likely benign. Review status: criteria provided, multiple submitters, no conflicts (2 of 4 stars). 22 submissions from 21 submitters: Benign (14); Likely benign (1). 7 of the submissions do not count toward it. Last evaluated 2026-09-01.

Conditions:
Cardiovascular phenotype. Identifiers: MedGen CN230736.
Cardiomyopathy (CMYO). Also called: Cardiomyopathies. Identifiers: Orphanet 167848, MedGen C0878544, MONDO:0004994, HP:0001638. Inheritance: Various modes of inheritance.
Arrhythmogenic right ventricular cardiomyopathy (ARVD). Also called: Arrhythmogenic Right Ventricular Cardiomyopathy (ARVC); Cardiomyopathy, ARVC; Arrhythmogenic right ventricular dysplasia; Arrhythmogenic cardiomyopathy. Identifiers: Orphanet 247, MedGen C0349788, MeSH D019571, MONDO:0016587. Disease mechanism: loss of function. Inheritance: Various modes of inheritance.
Catecholaminergic polymorphic ventricular tachycardia 1. Also called: RYR2-Related Catecholaminergic Polymorphic Ventricular Tachycardia; VENTRICULAR TACHYCARDIA, STRESS-INDUCED POLYMORPHIC 1; VENTRICULAR TACHYCARDIA, CATECHOLAMINERGIC POLYMORPHIC, 1, WITH OR WITHOUT ATRIAL DYSFUNCTION AND/OR DILATED CARDIOMYOPATHY. Identifiers: Orphanet 3286, MedGen C1631597, MONDO:0011484, OMIM 604772.
Arrhythmogenic right ventricular dysplasia 2. Identifiers: MedGen C1832931.
Catecholaminergic polymorphic ventricular tachycardia (CVPT). Also called: Catecholamine-induced polymorphic ventricular tachycardia. Identifiers: Orphanet 3286, MedGen C5574922, MONDO:0017990.

Allele frequency attached by ClinVar (database versions not stated): gnomAD 0.01767; TOPMed 0.01620; 1000 Genomes Project 0.00978; 1000 Genomes Project 30x 0.01015; ESP Exome Variant Server 0.01753.
gnomAD v4.1: 37,451 of 1,609,734 alleles (2.3%); highest among the groups gnomAD compares: Non-Finnish European, 2.9%; 537 homozygotes.

Submissions (22):

CeGaT Center for Human Genetics Tuebingen
Classification: Benign. Last evaluated: 2026-09-01. Review status: criteria provided, single submitter. Criteria: CeGaT Center For Human Genetics Tuebingen Variant Classification Criteria Version 2. Collection method: clinical testing. Allele origin: germline. Affected: yes. Observed: 79 variant alleles.
Comment: RYR2: BP4, BS1, BS2

Labcorp Genetics (formerly Invitae), Labcorp
Classification: Benign for Catecholaminergic polymorphic ventricular tachycardia 1. Last evaluated: 2026-02-04. Review status: criteria provided, single submitter. Criteria: Invitae Variant Classification Sherloc (09022015). Collection method: clinical testing. Allele origin: germline.

ARUP Laboratories, Molecular Genetics and Genomics, ARUP Laboratories
Classification: Benign. Last evaluated: 2025-04-09. Review status: criteria provided, single submitter. Criteria: ARUP Molecular Germline Variant Investigation Process 2024. Collection method: clinical testing. Allele origin: germline.

Molecular Diagnostic Laboratory for Inherited Cardiovascular Disease, Montreal Heart Institute
Classification: Likely benign. Last evaluated: 2025-04-08. Review status: criteria provided, single submitter. Criteria: ACMG Guidelines, 2015. Collection method: clinical testing. Allele origin: germline. Affected: no.

Mayo Clinic Laboratories, Mayo Clinic
Classification: Benign. Last evaluated: 2023-02-21. Review status: criteria provided, single submitter. Criteria: ACMG Guidelines, 2015. Collection method: clinical testing. Allele origin: germline. Observed: 52 variant alleles.
Comment: BS1_stand-alone, BS2

Color Diagnostics, LLC DBA Color Health
Classification: Benign for Cardiomyopathy. Last evaluated: 2018-03-15. Review status: criteria provided, single submitter. Criteria: ACMG Guidelines, 2015. Collection method: clinical testing. Allele origin: germline.

Illumina Laboratory Services, Illumina
Classification: Benign for Catecholaminergic polymorphic ventricular tachycardia 1. Last evaluated: 2017-05-11. Review status: criteria provided, single submitter. Criteria: ICSL Variant Classification Criteria 13 December 2019. Collection method: clinical testing. Allele origin: germline.
Comment: This variant was observed as part of a predisposition screen in an ostensibly healthy population. A literature search was performed for the gene, cDNA change, and amino acid change (where applicable). Publications were found based on this search. The evidence from the literature, in combination with allele frequency data from public databases where available, was sufficient to rule this variant out of causing disease. Therefore, this variant is classified as benign.

Illumina Laboratory Services, Illumina
Classification: Benign for Catecholaminergic polymorphic ventricular tachycardia 1. Last evaluated: 2017-05-11. Review status: criteria provided, single submitter. Criteria: ICSL Variant Classification Criteria 13 December 2019. Collection method: clinical testing. Allele origin: germline.
Comment: the same text as in the submission from Illumina Laboratory Services, Illumina above.

Genomic Diagnostic Laboratory, Division of Genomic Diagnostics, Children's Hospital of Philadelphia
Classification: Benign for Catecholaminergic polymorphic ventricular tachycardia. Last evaluated: 2015-11-20. Review status: criteria provided, single submitter. Criteria: DGD Variant Analysis Guidelines. Collection method: clinical testing. Allele origin: unknown.

Ambry Genetics
Classification: Benign for Cardiovascular phenotype. Last evaluated: 2015-03-25. Review status: criteria provided, single submitter. Criteria: Ambry Variant Classification Scheme 2023. Collection method: clinical testing. Allele origin: germline.

GeneDx
Classification: Benign. Last evaluated: 2015-03-03. Review status: criteria provided, single submitter. Criteria: GeneDx Variant Classification Process June 2021. Collection method: clinical testing. Allele origin: germline. Affected: yes.
Comment: This variant is associated with the following publications: (PMID: 30403697, 25925909, 28798025, 28404607, 27153395, 21315846, 19926015, 24025405, 24237251, 18326664)

Eurofins Ntd Llc (ga)
Classification: Benign. Last evaluated: 2014-11-21. Review status: criteria provided, single submitter. Criteria: EGL Classification Definitions 2015. Collection method: clinical testing. Allele origin: germline. Observed: 1 variant allele, 1 heterozygote.

Biesecker Lab/Clinical Genomics Section, National Institutes of Health
Classification: Benign. Last evaluated: 2013-06-24. Review status: criteria provided, single submitter. Criteria: Ng et al. (Circ Cardiovasc Genet. 2013). Collection method: research. Allele origin: unknown. Observed: 26 variant alleles. Study: ClinSeq.
Comment: The study set was not selected for affection status in relation to any cancer. Pathogenicity categories were based on literature curation. See Pubmed ID:23861362 for details.

Medical sequencing

Laboratory for Molecular Medicine, Mass General Brigham Personalized Medicine
Classification: Benign. Last evaluated: 2012-05-10. Review status: criteria provided, single submitter. Criteria: LMM Criteria. Collection method: clinical testing. Allele origin: germline. Observed: 60 variant alleles.
Comment: Allele frequency = 2.4% (n=160 alleles), EA cohort, NHLBI ESP.

Breakthrough Genomics
Classification: Benign. Review status: criteria provided, single submitter. Criteria: ACMG Guidelines, 2015. Collection method: not provided. Allele origin: germline. Inheritance: Autosomal dominant inheritance. Affected: yes.

Women's Health and Genetics/Laboratory Corporation of America, LabCorp
Classification: Benign for Arrhythmogenic Right Ventricular Cardiomyopathy. Last evaluated: 2014-11-10. Review status: no assertion criteria provided. Collection method: clinical testing. Allele origin: germline. Not counted in ClinVar's aggregate classification.

Clinical Genetics DNA and cytogenetics Diagnostics Lab, Erasmus MC, Erasmus Medical Center
Classification: Benign. Review status: no assertion criteria provided. Collection method: clinical testing. Allele origin: germline. Affected: yes. Study: VKGL Data-share Consensus. Not counted in ClinVar's aggregate classification.

Clinical Genetics, Academic Medical Center
Classification: Benign. Review status: no assertion criteria provided. Collection method: clinical testing. Allele origin: germline. Affected: yes. Study: VKGL Data-share Consensus. Not counted in ClinVar's aggregate classification.

Diagnostic Laboratory, Department of Genetics, University Medical Center Groningen
Classification: Likely benign. Review status: no assertion criteria provided. Collection method: clinical testing. Allele origin: germline. Affected: yes. Study: VKGL Data-share Consensus. Not counted in ClinVar's aggregate classification.

Genome Diagnostics Laboratory, University Medical Center Utrecht
Classification: Benign. Review status: no assertion criteria provided. Collection method: clinical testing. Allele origin: germline. Affected: yes. Study: VKGL Data-share Consensus. Not counted in ClinVar's aggregate classification.

Joint Genome Diagnostic Labs from Nijmegen and Maastricht, Radboudumc and MUMC+
Classification: Benign. Review status: no assertion criteria provided. Collection method: clinical testing. Allele origin: germline. Affected: yes. Study: VKGL Data-share Consensus. Not counted in ClinVar's aggregate classification.

Laboratory of Diagnostic Genome Analysis, Leiden University Medical Center (LUMC)
Classification: Likely benign. Review status: no assertion criteria provided. Collection method: clinical testing. Allele origin: germline. Affected: yes. Study: VKGL Data-share Consensus. Not counted in ClinVar's aggregate classification.

Literature cited by the submitters: PubMed 11159936 (cited by Illumina Laboratory Services, Illumina); PubMed 16769042 (cited by Illumina Laboratory Services, Illumina); PubMed 22677073 (cited by Illumina Laboratory Services, Illumina); PubMed 19709828 (cited by Illumina Laboratory Services, Illumina); PubMed 18326664 (cited by Illumina Laboratory Services, Illumina); PubMed 19926015 (cited by Illumina Laboratory Services, Illumina); PubMed 21315846 (cited by Illumina Laboratory Services, Illumina).